The following is an entry in ClinVar:

ClinVar aggregate classification (germline): Pathogenic/Likely pathogenic. Review status: criteria provided, multiple submitters, no conflicts (2 of 4 stars). 2 submissions from 2 submitters: Pathogenic (1); Likely pathogenic (1). Last evaluated 2025-06-05.

Conditions:
Megalencephalic leukoencephalopathy with subcortical cysts 1 (MLC1). Also called: LEUKOENCEPHALOPATHY WITH SWELLING AND CYSTS; VACUOLATING MEGALENCEPHALIC LEUKOENCEPHALOPATHY WITH SUBCORTICAL CYSTS. Identifiers: Orphanet 2478, MedGen C5779875, MONDO:0024555, OMIM 604004.
Megalencephalic leukoencephalopathy with subcortical cysts. Also called: VAN DER KNAAP DISEASE. Identifiers: Orphanet 2478, MedGen C1858854, MONDO:0011391.

Submissions (2):

Natera, Inc.
Classification: Likely pathogenic for Megalencephalic leukoencephalopathy with subcortical cysts. Last evaluated: 2025-06-05. Review status: criteria provided, single submitter. Criteria: Natera Variant Classification Schema (03/2026). Collection method: clinical testing. Allele origin: germline.
Comment: The c.177+1delG variant in MLC1 is a canonical splice donor site variant predicted to affect pre-mRNA splicing, which may result in an abnormal transcript and altered protein product. This variant is expected to result in nonsense mediated decay, truncation, or a dysfunctional protein product. This variant is rare in the general population with a frequency below the threshold expected for the associated phenotype(s). This variant has been observed in one or more individuals affected with the associated recessive disease, as either homozygous or compound heterozygous with a second variant (PMID: 37928140). Functional studies show that this variant may disrupt protein function (PMID: 37928140). Given the available evidence, this variant is classified as Likely Pathogenic.

Fulgent Genetics
Classification: Pathogenic for Megalencephalic leukoencephalopathy with subcortical cysts 1. Last evaluated: 2024-06-06. Review status: criteria provided, single submitter. Criteria: ACMG Guidelines, 2015. Collection method: clinical testing. Allele origin: germline.

Literature cited by the submitters: PubMed 37928140 (cited by Natera, Inc.).

NM_015166.4(MLC1):c.177+1del

Gene: MLC1 (modulator of VRAC current 1; minus strand). Cytogenetic location: 22q13.33.
Variant type: Deletion.
Coding change: c.177+1del on transcript NM_015166.4 (MANE Select); the canonical splice donor site of the intron after coding-DNA position 177, one base deleted (G; older notation c.177+1delG).
Molecular consequence: splice donor variant. On other transcripts: intron variant (1).
Genome position (GRCh38, 1-based): chr22:50,084,725, C deleted on the plus strand (G on the coding strand, the reverse complement: MLC1 is on the minus strand); the first of 5 consecutive C bases (chr22:50,084,725-50,084,729); deleting any one gives the same sequence. VCF-style (leftmost placement, unchanged base first): chr22-50084724-AC-A. GRCh37 (hg19) VCF-style: chr22-50523153-AC-A.
Other names: c.177+1del (NM_001376474.1, NM_001376475.1, NM_001376476.1 and 10 more transcripts); c.-59+630del (NM_001376484.1); c.177+1delG (NM_015166.3).
Identifiers: ClinVar variation 2676562 (VCV002676562.5), dbSNP rs2518369951, ClinGen allele CA2533587824.
Genomic context (GRCh38, chr22:50,084,724, plus strand): 5'-GTCCGTCACCAGAGGGACCAGATGCTCGTGGCCCTCCAAGGGCTTAGTGTGGAGCTACTC[AC>A]CCCCATCAGCACAGAGAAGACCCACGTCTTGTGGCTGAAGCAGGGGGGCAGTCTCTTCGA-3'